The following is an entry in ClinVar:

ClinVar aggregate classification (germline): Likely benign (0 of 4 stars; one submission).

Conditions:
EHHADH-related disorder. Also called: EHHADH-related condition.

gnomAD v4.1: 12 of 1,614,098 alleles (0.00074%); highest among the groups gnomAD compares: East Asian, 0.022%; no homozygotes.

Submission:

PreventionGenetics, part of Exact Sciences
Classification: Likely benign for EHHADH-related condition. Last evaluated: 2024-05-26. Review status: no assertion criteria provided. Collection method: clinical testing. Allele origin: germline.
Comment: This variant is classified as likely benign based on ACMG/AMP sequence variant interpretation guidelines (Richards et al. 2015 PMID: 25741868, with internal and published modifications).

NM_001966.4(EHHADH):c.1743A>G (p.Gln581=)

Gene: EHHADH (enoyl-CoA hydratase and 3-hydroxyacyl CoA dehydrogenase; minus strand). Cytogenetic location: 3q27.2.
Variant type: single nucleotide variant.
Coding change: c.1743A>G on transcript NM_001966.4 (MANE Select); coding-DNA position 1743, A replaced by G.
Protein change: p.Gln581=; no amino-acid change (glutamine 581 retained).
Molecular consequence: synonymous variant.
Genome position (GRCh38, 1-based): chr3:185,192,655, T>C on the plus strand (A>G on the coding strand, the complement: EHHADH is on the minus strand). VCF-style: chr3-185192655-T-C. GRCh37 (hg19) VCF-style: chr3-184910443-T-C.
Other names: c.1455A>G, p.Gln485= (NM_001166415.2).
Identifiers: ClinVar variation 3356949 (VCV003356949.1).